The following is an entry in ClinVar:

ClinVar aggregate classification (germline): Uncertain significance (1 of 4 stars; one submission).

Conditions:
Inborn genetic diseases. Identifiers: MedGen C0950123, MeSH D030342.

Submission:

Ambry Genetics
Classification: Uncertain significance for Inborn genetic diseases. Last evaluated: 2023-10-11. Review status: criteria provided, single submitter. Criteria: Ambry Variant Classification Scheme 2023. Collection method: clinical testing. Allele origin: germline.
Comment: The p.N1510H variant (also known as c.4528A>C), located in coding exon 31 of the LRRK2 gene, results from an A to C substitution at nucleotide position 4528. The asparagine at codon 1510 is replaced by histidine, an amino acid with similar properties. This amino acid position is conserved. In addition, this alteration is predicted to be tolerated by in silico analysis. Since supporting evidence is limited at this time, the clinical significance of this alteration remains unclear.

NM_198578.4(LRRK2):c.4528A>C (p.Asn1510His)

Gene: LRRK2 (leucine rich repeat kinase 2; plus strand). Cytogenetic location: 12q12.
Variant type: single nucleotide variant.
Coding change: c.4528A>C on transcript NM_198578.4 (MANE Select); coding-DNA position 4528, A replaced by C.
Protein change: p.Asn1510His; replaces asparagine 1510 with histidine.
Molecular consequence: missense variant.
Genome position (GRCh38, 1-based): chr12:40,310,641, A>C. VCF-style: chr12-40310641-A-C. GRCh37 (hg19) VCF-style: chr12-40704443-A-C.
Other names: short protein forms N1510H.
Identifiers: ClinVar variation 3229660 (VCV003229660.1), dbSNP rs2499828630, ClinGen allele CA384418699.